The following is an entry in ClinVar:

NM_032638.5(GATA2):c.161C>A (p.Ser54Ter)

Gene: GATA2 (GATA binding protein 2; minus strand). Cytogenetic location: 3q21.3.
Variant type: single nucleotide variant.
Coding change: c.161C>A on transcript NM_032638.5 (MANE Select); coding-DNA position 161, C replaced by A.
Protein change: p.Ser54Ter; replaces serine 54 with a stop codon.
Molecular consequence: nonsense.
Genome position (GRCh38, 1-based): chr3:128,486,871, G>T on the plus strand (C>A on the coding strand, the complement: GATA2 is on the minus strand). VCF-style: chr3-128486871-G-T. GRCh37 (hg19) VCF-style: chr3-128205714-G-T.
Other names: c.161C>A, p.Ser54Ter (NM_001145661.2, NM_001145662.1); short protein forms S54*.
Identifiers: ClinVar variation 1184167 (VCV001184167.3), dbSNP rs2107673501, ClinGen allele CA354408555.

ClinVar aggregate classification (germline): Pathogenic. Review status: criteria provided, multiple submitters, no conflicts (2 of 4 stars). 3 submissions from 3 submitters: Pathogenic (3). Last evaluated 2025-07-14.

Conditions:
GATA2 deficiency with susceptibility to MDS/AML. Identifiers: MedGen CN300066, MONDO:0042982.
Deafness-lymphedema-leukemia syndrome. Also called: Lymphedema, primary, with myelodysplasia; Emberger syndrome. Identifiers: Orphanet 3226, MedGen C3279664, MONDO:0013540, OMIM 614038.
Monocytopenia with susceptibility to infections. Also called: GATA2 DEFICIENCY; MONOCYTOPENIA AND MYCOBACTERIAL INFECTION SYNDROME; MONOCYTOPENIA WITH SUSCEPTIBILITY TO MYCOBACTERIAL, FUNGAL, AND PAPILLOMAVIRUS INFECTIONS AND MYELODYSPLASIA; COMBINED IMMUNODEFICIENCY WITH SUSCEPTIBILITY TO MYCOBACTERIAL, VIRAL, AND FUNGAL INFECTIONS; Dendritic cell, monocyte, B lymphocyte, and natural killer lymphocyte deficiency; IMMUNODEFICIENCY 21. Identifiers: Orphanet 228423, MedGen C3280030, MONDO:0013607, OMIM 614172.

Submissions (3):

Labcorp Genetics (formerly Invitae), Labcorp
Classification: Pathogenic for Monocytopenia with susceptibility to infections; Deafness-lymphedema-leukemia syndrome. Last evaluated: 2025-07-14. Review status: criteria provided, single submitter. Criteria: Invitae Variant Classification Sherloc (09022015). Collection method: clinical testing. Allele origin: germline.
Comment: This sequence change creates a premature translational stop signal (p.Ser54*) in the GATA2 gene. It is expected to result in an absent or disrupted protein product. Loss-of-function variants in GATA2 are known to be pathogenic (PMID: 21670465, 23223431). This variant is not present in population databases (gnomAD no frequency). This premature translational stop signal has been observed in individual(s) with myelodysplastic syndrome (PMID: 26702063). ClinVar contains an entry for this variant (Variation ID: 1184167). For these reasons, this variant has been classified as Pathogenic.

St. Jude Molecular Pathology, St. Jude Children's Research Hospital
Classification: Pathogenic for GATA2 deficiency with susceptibility to MDS/AML. Last evaluated: 2024-12-23. Review status: criteria provided, single submitter. Criteria: St. Jude Assertion Criteria 2020. Collection method: clinical testing. Allele origin: germline.
Comment: The GATA2 c.161C>A (p.Ser54Ter) change is a nonsense variant that is predicted to cause premature protein truncation and loss of normal protein function. This variant has been identified in individuals with GATA2-related myelodysplastic syndrome with mososomy 7 and trisomy 8 (PMID: 26702063, internal data). This variant is absent in gnomAD v2.1.1. In summary, this variant meets criteria to be classified as pathogenic.

Molecular Pathology Research Laboratory, SA Pathology
Classification: Pathogenic for GATA2 deficiency with susceptibility to MDS/AML; Deafness-lymphedema-leukemia syndrome. Last evaluated: 2021-07-06. Review status: criteria provided, single submitter. Criteria: ACMG Guidelines, 2015. Collection method: curation. Allele origin: unknown. Inheritance: Autosomal dominant inheritance. Affected: yes. Observed: 1 variant allele.
Comment: PVS1, PS4_Supporting, PM2

Literature cited by the submitters: PubMed 21670465 (cited by Labcorp Genetics (formerly Invitae), Labcorp); PubMed 23223431 (cited by Labcorp Genetics (formerly Invitae), Labcorp); PubMed 26702063 (cited by Labcorp Genetics (formerly Invitae), Labcorp and Molecular Pathology Research Laboratory, SA Pathology).